The following is an entry in ClinVar:

ClinVar aggregate classification (germline): Uncertain significance. Review status: criteria provided, multiple submitters, no conflicts (2 of 4 stars). 3 submissions from 3 submitters: Uncertain significance (3). Last evaluated 2025-03-16.

Conditions:
Inborn genetic diseases. Identifiers: MedGen C0950123, MeSH D030342.

Allele frequency attached by ClinVar (database versions not stated): gnomAD 0.00001; gnomAD exomes 0.00001; TOPMed 0.00002; ExAC 0.00003; 1000 Genomes Project 30x 0.00016; 1000 Genomes Project 0.00020.
gnomAD v4.1: 14 of 1,614,060 alleles (0.00087%); highest among the groups gnomAD compares: South Asian, 0.0022%; no homozygotes.

Submissions (3):

GeneDx
Classification: Uncertain significance. Last evaluated: 2025-03-16. Review status: criteria provided, single submitter. Criteria: GeneDx Variant Classification Process June 2021. Collection method: clinical testing. Allele origin: germline. Affected: yes.
Comment: Not observed at significant frequency in large population cohorts (gnomAD); In silico analysis supports that this missense variant has a deleterious effect on protein structure/function; Has not been previously published as pathogenic or benign to our knowledge

Ambry Genetics
Classification: Uncertain significance for Inborn genetic diseases. Last evaluated: 2022-06-03. Review status: criteria provided, single submitter. Criteria: Ambry Variant Classification Scheme 2023. Collection method: clinical testing. Allele origin: germline.

Labcorp Genetics (formerly Invitae), Labcorp
Classification: Uncertain significance. Last evaluated: 2021-03-26. Review status: criteria provided, single submitter. Criteria: Invitae Variant Classification Sherloc (09022015). Collection method: clinical testing. Allele origin: germline.
Comment: In summary, the available evidence is currently insufficient to determine the role of this variant in disease. Therefore, it has been classified as a Variant of Uncertain Significance. Algorithms developed to predict the effect of missense changes on protein structure and function (SIFT, PolyPhen-2, Align-GVGD) all suggest that this variant is likely to be tolerated, but these predictions have not been confirmed by published functional studies and their clinical significance is uncertain. This variant has not been reported in the literature in individuals with WDR62-related conditions. This variant is present in population databases (rs4805157, ExAC 0.02%). This sequence change replaces serine with leucine at codon 614 of the WDR62 protein (p.Ser614Leu). The serine residue is weakly conserved and there is a large physicochemical difference between serine and leucine.

NM_001083961.2(WDR62):c.1841C>T (p.Ser614Leu)

Gene: WDR62 (WD repeat domain 62; plus strand). Cytogenetic location: 19q13.12.
Variant type: single nucleotide variant.
Coding change: c.1841C>T on transcript NM_001083961.2 (MANE Select); coding-DNA position 1841, C replaced by T.
Protein change: p.Ser614Leu; replaces serine 614 with leucine.
Molecular consequence: missense variant.
Genome position (GRCh38, 1-based): chr19:36,089,189, C>T. VCF-style: chr19-36089189-C-T. GRCh37 (hg19) VCF-style: chr19-36580091-C-T.
Other names: c.1841C>T, p.Ser614Leu (NM_173636.5); c.1841C>T (NM_001083961.1); short protein forms S614L.
Identifiers: ClinVar variation 1347689 (VCV001347689.10), dbSNP rs4805157, ClinGen allele CA9395763.
Genomic context (GRCh38, chr19:36,089,189, plus strand): 5'-GGGCTGGGGTGGGGGGTTGTCGGGGCATTCTCTGAAGGTCCTGCCGGCCCTGCCAGGGTT[C>T]GGATGGACTACACTTTGTCCGTACCCACCACGTAGCAGAGAAAACCACCTTGTATGACAT-3'
Protein context (NP_001077430.1, residues 604-624): SIYFRSAQQG[Ser614Leu]DGLHFVRTHH